The following is an entry in ClinVar:

ClinVar aggregate classification (germline): Uncertain significance. Review status: criteria provided, multiple submitters, no conflicts (2 of 4 stars). 2 submissions from 2 submitters: Uncertain significance (2). Last evaluated 2022-08-25.

Conditions:
Spastic paraplegia. Identifiers: MedGen C0037772, HP:0001258.

Allele frequency attached by ClinVar (database versions not stated): gnomAD exomes below 0.00001.

Submissions (2):

Labcorp Genetics (formerly Invitae), Labcorp
Classification: Uncertain significance for Spastic paraplegia. Last evaluated: 2022-08-25. Review status: criteria provided, single submitter. Criteria: Invitae Variant Classification Sherloc (09022015). Collection method: clinical testing. Allele origin: germline.
Comment: This variant is not present in population databases (gnomAD no frequency). This sequence change replaces glutamic acid, which is acidic and polar, with glutamine, which is neutral and polar, at codon 386 of the KIF5A protein (p.Glu386Gln). In summary, the available evidence is currently insufficient to determine the role of this variant in disease. Therefore, it has been classified as a Variant of Uncertain Significance. Advanced modeling of protein sequence and biophysical properties (such as structural, functional, and spatial information, amino acid conservation, physicochemical variation, residue mobility, and thermodynamic stability) performed at Invitae indicates that this missense variant is not expected to disrupt KIF5A protein function. ClinVar contains an entry for this variant (Variation ID: 1696983). This variant has not been reported in the literature in individuals affected with KIF5A-related conditions.

GeneDx
Classification: Uncertain significance. Last evaluated: 2022-01-12. Review status: criteria provided, single submitter. Criteria: GeneDx Variant Classification Process June 2021. Collection method: clinical testing. Allele origin: germline. Affected: yes.
Comment: Not observed at significant frequency in large population cohorts (gnomAD); In silico analysis supports that this missense variant does not alter protein structure/function; Has not been previously published as pathogenic or benign to our knowledge

NM_004984.4(KIF5A):c.1156G>C (p.Glu386Gln)

Gene: KIF5A (kinesin family member 5A; plus strand). Cytogenetic location: 12q13.3.
Variant type: single nucleotide variant.
Coding change: c.1156G>C on transcript NM_004984.4 (MANE Select); coding-DNA position 1156, G replaced by C.
Protein change: p.Glu386Gln; replaces glutamic acid 386 with glutamine.
Molecular consequence: missense variant.
Genome position (GRCh38, 1-based): chr12:57,570,025, G>C. VCF-style: chr12-57570025-G-C. GRCh37 (hg19) VCF-style: chr12-57963808-G-C.
Other names: c.889G>C, p.Glu297Gln (NM_001354705.2); short protein forms E297Q, E386Q.
Identifiers: ClinVar variation 1696983 (VCV001696983.7), dbSNP rs1052752751, ClinGen allele CA237783734.
Genomic context (GRCh38, chr12:57,570,025, plus strand): 5'-ACCTCGTCTTGCCCCTTTGCAGGAGAGAATGTGCCTGAGACAGAGCGCCTGGCTGGGGAG[G>C]AGGCAGCCCTGGGAGCCGAGCTCTGTGAGGAGACCCCTGTGAATGACAACTCATCCATCG-3'
Protein context (NP_004975.2, residues 376-396): VPETERLAGE[Glu386Gln]AALGAELCEE